The following is an entry in ClinVar:

ClinVar aggregate classification (germline): Uncertain significance (1 of 4 stars; one submission).

Conditions:
Peroxisome biogenesis disorder, complementation group 7 (CG7). Also called: Peroxisome biogenesis disorder, complementation group B. Identifiers: MedGen C1864399.

Allele frequency attached by ClinVar (database versions not stated): gnomAD exomes below 0.00001 and 0.00001.
gnomAD v4.1: 14 of 1,613,908 alleles (0.00087%); highest among the groups gnomAD compares: Non-Finnish European, 0.0011%; no homozygotes.

Submission:

Labcorp Genetics (formerly Invitae), Labcorp
Classification: Uncertain significance for Peroxisome biogenesis disorder, complementation group 7. Last evaluated: 2021-09-17. Review status: criteria provided, single submitter. Criteria: Invitae Variant Classification Sherloc (09022015). Collection method: clinical testing. Allele origin: germline.
Comment: This sequence change replaces leucine with valine at codon 105 of the PEX10 protein (p.Leu105Val). The leucine residue is moderately conserved and there is a small physicochemical difference between leucine and valine. This variant is not present in population databases (ExAC no frequency). This variant has not been reported in the literature in individuals with PEX10-related conditions. Algorithms developed to predict the effect of missense changes on protein structure and function output the following: SIFT: "Tolerated"; PolyPhen-2: "Benign"; Align-GVGD: "Class C0". The valine amino acid residue is found in multiple mammalian species, suggesting that this missense change does not adversely affect protein function. These predictions have not been confirmed by published functional studies and their clinical significance is uncertain. In summary, the available evidence is currently insufficient to determine the role of this variant in disease. Therefore, it has been classified as a Variant of Uncertain Significance.

NM_002617.4(PEX10):c.313C>G (p.Leu105Val)

Gene: PEX10 (peroxisomal biogenesis factor 10; minus strand). Cytogenetic location: 1p36.32.
Variant type: single nucleotide variant.
Coding change: c.313C>G on transcript NM_002617.4 (MANE Select); coding-DNA position 313, C replaced by G.
Protein change: p.Leu105Val; replaces leucine 105 with valine.
Molecular consequence: missense variant. On other transcripts: 5 prime UTR variant (2), non-coding transcript variant (1).
Genome position (GRCh38, 1-based): chr1:2,408,739, G>C on the plus strand (C>G on the coding strand, the complement: PEX10 is on the minus strand). VCF-style: chr1-2408739-G-C. GRCh37 (hg19) VCF-style: chr1-2340178-G-C.
Other names: c.313C>G, p.Leu105Val (NM_001374425.1, NM_153818.2); c.-120C>G (NM_001374426.1, NM_001374427.1); short protein forms L105V.
Identifiers: ClinVar variation 1448192 (VCV001448192.5), dbSNP rs1450880054, ClinGen allele CA337988643.